The following is an entry in ClinVar:

ClinVar aggregate classification (germline): Uncertain significance. Review status: criteria provided, multiple submitters, no conflicts (2 of 4 stars). 2 submissions from 2 submitters: Uncertain significance (2). Last evaluated 2024-12-06.

Conditions:
Inborn genetic diseases. Identifiers: MedGen C0950123, MeSH D030342.

Submissions (2):

Ambry Genetics
Classification: Uncertain significance for Inborn genetic diseases. Last evaluated: 2024-12-06. Review status: criteria provided, single submitter. Criteria: Ambry Variant Classification Scheme 2023. Collection method: clinical testing. Allele origin: germline.
Comment: The p.T207I variant (also known as c.620C>T), located in coding exon 1 of the SAMD9L gene, results from a C to T substitution at nucleotide position 620. The threonine at codon 207 is replaced by isoleucine, an amino acid with similar properties. This amino acid position is conserved. In addition, this alteration is predicted to be tolerated by in silico analysis. Based on the available evidence, the clinical significance of this variant remains unclear.

Labcorp Genetics (formerly Invitae), Labcorp
Classification: Uncertain significance. Last evaluated: 2024-07-17. Review status: criteria provided, single submitter. Criteria: Invitae Variant Classification Sherloc (09022015). Collection method: clinical testing. Allele origin: germline.
Comment: This sequence change replaces threonine, which is neutral and polar, with isoleucine, which is neutral and non-polar, at codon 207 of the SAMD9L protein (p.Thr207Ile). This variant is present in population databases (no rsID available, gnomAD 0.002%). This variant has not been reported in the literature in individuals affected with SAMD9L-related conditions. An algorithm developed to predict the effect of missense changes on protein structure and function (PolyPhen-2) suggests that this variant is likely to be tolerated. In summary, the available evidence is currently insufficient to determine the role of this variant in disease. Therefore, it has been classified as a Variant of Uncertain Significance.

NM_152703.5(SAMD9L):c.620C>T (p.Thr207Ile)

Gene: SAMD9L (sterile alpha motif domain containing 9 like; minus strand). Cytogenetic location: 7q21.2.
Variant type: single nucleotide variant.
Coding change: c.620C>T on transcript NM_152703.5 (MANE Select); coding-DNA position 620, C replaced by T.
Protein change: p.Thr207Ile; replaces threonine 207 with isoleucine.
Molecular consequence: missense variant.
Genome position (GRCh38, 1-based): chr7:93,135,352, G>A on the plus strand (C>T on the coding strand, the complement: SAMD9L is on the minus strand). VCF-style: chr7-93135352-G-A. GRCh37 (hg19) VCF-style: chr7-92764665-G-A.
Other names: c.620C>T, p.Thr207Ile (NM_001303496.3, NM_001303497.3, NM_001303498.3 and 5 more transcripts); short protein forms T207I.
Identifiers: ClinVar variation 3437222 (VCV003437222.3).
Genomic context (GRCh38, chr7:93,135,352, plus strand): 5'-GCTGATGCAAATCGGAAGACTTCATTGCTGAATTTCATCTTAATGTCCACTTCCGTGGCT[G>A]TTTCTGTGTTTGTGAGAGCTTTGAACTCATGTATTGGATCAATGAGATTGAGTGCTCCTG-3'
Protein context (NP_689916.2, residues 197-217): HEFKALTNTE[Thr207Ile]ATEVDIKMKF